The following is an entry in ClinVar:

ClinVar aggregate classification (germline): Uncertain significance (1 of 4 stars; one submission).

Conditions:
Multiple sulfatase deficiency (MSD). Also called: Mucosulfatidosis; Multiple Sulfatase Deficiency Disease; Sulfatidosis, Juvenile, Austin Type. Identifiers: Orphanet 585, MedGen C0268263, MONDO:0010088, OMIM 272200.

Submission:

Labcorp Genetics (formerly Invitae), Labcorp
Classification: Uncertain significance for Multiple sulfatase deficiency. Last evaluated: 2022-05-30. Review status: criteria provided, single submitter. Criteria: Invitae Variant Classification Sherloc (09022015). Collection method: clinical testing. Allele origin: germline.
Comment: This sequence change replaces phenylalanine, which is neutral and non-polar, with valine, which is neutral and non-polar, at codon 363 of the SUMF1 protein (p.Phe363Val). This variant is not present in population databases (gnomAD no frequency). This variant has not been reported in the literature in individuals affected with SUMF1-related conditions. Algorithms developed to predict the effect of missense changes on protein structure and function are either unavailable or do not agree on the potential impact of this missense change (SIFT: "Deleterious"; PolyPhen-2: "Probably Damaging"; Align-GVGD: "Class C0"). In summary, the available evidence is currently insufficient to determine the role of this variant in disease. Therefore, it has been classified as a Variant of Uncertain Significance.

NM_182760.4(SUMF1):c.1087T>G (p.Phe363Val)

Gene: SUMF1 (sulfatase modifying factor 1; minus strand). Cytogenetic location: 3p26.1.
Variant type: single nucleotide variant.
Coding change: c.1087T>G on transcript NM_182760.4 (MANE Select); coding-DNA position 1087, T replaced by G.
Protein change: p.Phe363Val; replaces phenylalanine 363 with valine.
Molecular consequence: missense variant.
Genome position (GRCh38, 1-based): chr3:4,362,182, A>C on the plus strand (T>G on the coding strand, the complement: SUMF1 is on the minus strand). VCF-style: chr3-4362182-A-C. GRCh37 (hg19) VCF-style: chr3-4403866-A-C.
Other names: c.1012T>G, p.Phe338Val (NM_001164674.2); c.1027T>G, p.Phe343Val (NM_001164675.2); short protein forms F338V, F363V, F343V.
Identifiers: ClinVar variation 1997257 (VCV001997257.4), dbSNP rs2470777643, ClinGen allele CA351626333.